The following is an entry in ClinVar:

ClinVar aggregate classification (germline): Pathogenic (1 of 4 stars; one submission).

Submission:

Labcorp Genetics (formerly Invitae), Labcorp
Classification: Pathogenic. Last evaluated: 2023-11-24. Review status: criteria provided, single submitter. Criteria: Invitae Variant Classification Sherloc (09022015). Collection method: clinical testing. Allele origin: germline.
Comment: This sequence change creates a premature translational stop signal (p.Pro102Leufs*42) in the SERPING1 gene. It is expected to result in an absent or disrupted protein product. Loss-of-function variants in SERPING1 are known to be pathogenic (PMID: 11112899, 24456027). This variant is not present in population databases (gnomAD no frequency). This premature translational stop signal has been observed in individual(s) with angioedema (PMID: 28359783). ClinVar contains an entry for this variant (Variation ID: 1460243). For these reasons, this variant has been classified as Pathogenic.

Literature cited by the submitters: PubMed 11112899; PubMed 24456027; PubMed 28359783.

NM_000062.3(SERPING1):c.305_317del (p.Pro102fs)

Gene: SERPING1 (serpin family G member 1; plus strand). Cytogenetic location: 11q12.1.
Variant type: Deletion.
Coding change: c.305_317del on transcript NM_000062.3 (MANE Select); coding-DNA positions 305 to 317, 13 bases deleted (CCACCCAACCAAC).
Protein change: p.Pro102fs; shifts the reading frame from proline 102.
Molecular consequence: frameshift variant.
Genome position (GRCh38, 1-based): chr11:57,600,132-57,600,144, CCACCCAACCAAC deleted; deleting any 13 consecutive bases within chr11:57,600,127-57,600,144 gives the same sequence; the c. name uses the placement nearest the transcript's 3' end. VCF-style (leftmost placement, unchanged base first): chr11-57600126-TCCAACCCACCCAA-T. GRCh37 (hg19) VCF-style: chr11-57367599-TCCAACCCACCCAA-T.
Other names: c.305_317del, p.Pro102fs (NM_001032295.2); short protein forms P102fs.
Identifiers: ClinVar variation 1460243 (VCV001460243.8), dbSNP rs2135308474, ClinGen allele CA2573147301.